The following is an entry in ClinVar:

NM_001267550.2(TTN):c.103938_103939del (p.Phe34646fs)

Genes: TTN-AS1 (TTN antisense RNA 1; plus strand), TTN (titin; minus strand). Cytogenetic location: 2q31.2.
Variant type: Deletion.
Coding change: c.103938_103939del on transcript NM_001267550.2 (MANE Select); coding-DNA positions 103938 to 103939, 2 bases deleted (TT; older notation c.103938_103939delTT).
Protein change: p.Phe34646fs; shifts the reading frame from phenylalanine 34646.
Molecular consequence: frameshift variant.
Genome position (GRCh38, 1-based): chr2:178,532,676-178,532,677, AA deleted on the plus strand (TT on the coding strand, the reverse complement: TTN is on the minus strand); deleting any 2 consecutive bases within chr2:178,532,676-178,532,679 gives the same sequence; the c. name uses the placement nearest the transcript's 3' end. VCF-style (leftmost placement, unchanged base first): chr2-178532675-TAA-T. GRCh37 (hg19) VCF-style: chr2-179397402-TAA-T.
Other names: c.77118_77119del, p.Phe25706fs (NM_133432.3); c.77319_77320del, p.Phe25773fs (NM_133437.4); c.99015_99016del, p.Phe33005fs (NM_001256850.1); c.76743_76744del, p.Phe25581fs (NM_003319.4); c.96234_96235del, p.Phe32078fs (NM_133378.4); short protein forms F33005fs, F25706fs, F25773fs, F25581fs, F32078fs, F34646fs.
Identifiers: ClinVar variation 857313 (VCV000857313.10), dbSNP rs1689704657, ClinGen allele CA916081333.

ClinVar aggregate classification (germline): Likely pathogenic (1 of 4 stars; one submission).

Conditions:
Dilated cardiomyopathy 1G (CMD1G). Identifiers: Orphanet 154, MedGen C1858763, MONDO:0011400, OMIM 604145.
Autosomal recessive limb-girdle muscular dystrophy type 2J (LGMDR10). Also called: Limb-girdle muscular dystrophy, type 2J; MUSCULAR DYSTROPHY, LIMB-GIRDLE, AUTOSOMAL RECESSIVE 10. Identifiers: Orphanet 140922, MedGen C1837342, MONDO:0012127, OMIM 608807.

Submission:

Labcorp Genetics (formerly Invitae), Labcorp
Classification: Likely pathogenic for Dilated cardiomyopathy 1G; Autosomal recessive limb-girdle muscular dystrophy type 2J. Last evaluated: 2025-03-31. Review status: criteria provided, single submitter. Criteria: Invitae Variant Classification Sherloc (09022015). Collection method: clinical testing. Allele origin: germline.
Comment: This sequence change creates a premature translational stop signal (p.Phe34646Leufs*5) in the TTN gene. While this is not anticipated to result in nonsense mediated decay, it is expected to create a truncated TTN protein. This variant is not present in population databases (gnomAD no frequency). This variant has not been reported in the literature in individuals affected with TTN-related conditions. ClinVar contains an entry for this variant (Variation ID: 857313). This variant is located in the M band of TTN (PMID: 25589632). Truncating variants in this region have been previously reported in individuals affected with autosomal dominant or autosomal recessive myopathy and muscular dystrophy (PMID: 18948003, 23975875, 24395473). Truncating variants in this region have also been identified in individuals affected with autosomal dominant dilated cardiomyopathy and/or cardio-related conditions (PMID: 27869827, 32964742, internal data). In summary, the currently available evidence indicates that the variant is pathogenic, but additional data are needed to prove that conclusively. Therefore, this variant has been classified as Likely Pathogenic.

Literature cited by the submitters: PubMed 25589632; PubMed 18948003; PubMed 23975875; PubMed 24395473; PubMed 27869827; PubMed 32964742.